The following is an entry in ClinVar:

ClinVar aggregate classification (germline): Uncertain significance (1 of 4 stars; one submission).

gnomAD v4.1: 26 of 1,568,004 alleles (0.0017%); highest among the groups gnomAD compares: South Asian, 0.0046%; 1 homozygote.

Submission:

Labcorp Genetics (formerly Invitae), Labcorp
Classification: Uncertain significance. Last evaluated: 2021-12-25. Review status: criteria provided, single submitter. Criteria: Invitae Variant Classification Sherloc (09022015). Collection method: clinical testing. Allele origin: germline.
Comment: This sequence change replaces proline, which is neutral and non-polar, with histidine, which is basic and polar, at codon 2879 of the CELSR2 protein (p.Pro2879His). The frequency data for this variant in the population databases is considered unreliable, as metrics indicate poor data quality at this position in the gnomAD database. This variant has not been reported in the literature in individuals affected with CELSR2-related conditions. Algorithms developed to predict the effect of missense changes on protein structure and function are either unavailable or do not agree on the potential impact of this missense change (SIFT: "Deleterious"; PolyPhen-2: "Benign"; Align-GVGD: "Class C65"). In summary, the available evidence is currently insufficient to determine the role of this variant in disease. Therefore, it has been classified as a Variant of Uncertain Significance.

NM_001408.3(CELSR2):c.8636C>A (p.Pro2879His)

Gene: CELSR2 (cadherin EGF LAG seven-pass G-type receptor 2; plus strand). Cytogenetic location: 1p13.3.
Variant type: single nucleotide variant.
Coding change: c.8636C>A on transcript NM_001408.3 (MANE Select); coding-DNA position 8636, C replaced by A.
Protein change: p.Pro2879His; replaces proline 2879 with histidine.
Molecular consequence: missense variant.
Genome position (GRCh38, 1-based): chr1:109,273,562, C>A. VCF-style: chr1-109273562-C-A. GRCh37 (hg19) VCF-style: chr1-109816184-C-A.
Other names: short protein forms P2879H.
Identifiers: ClinVar variation 2148813 (VCV002148813.4), dbSNP rs770170823, ClinGen allele CA988649.
Genomic context (GRCh38, chr1:109,273,562, plus strand): 5'-AGCAATGCACAGGGTCTTCCCGGGGCTCCTCCGCTAGTGAGGGCAGCCGGGGAGGCCCCC[C>A]TCCCCGCCCACCGCCCCGGCAGAGCCTCCAGGAGCAGCTGAACGGGGTCATGCCCATCGC-3'
Protein context (NP_001399.1, residues 2869-2889): SASEGSRGGP[Pro2879His]PRPPPRQSLQ